The following is an entry in ClinVar:

ClinVar aggregate classification (germline): Uncertain significance (1 of 4 stars; one submission).

Conditions:
Hereditary cancer-predisposing syndrome. Also called: Tumor predisposition; Hereditary Cancer Syndrome; Neoplastic Syndromes, Hereditary; Hereditary neoplastic syndrome. Identifiers: Orphanet 140162, MedGen C0027672, MeSH D009386, MONDO:0015356.

Submission:

Color Diagnostics, LLC DBA Color Health
Classification: Uncertain significance for Hereditary cancer-predisposing syndrome. Last evaluated: 2025-06-23. Review status: criteria provided, single submitter. Criteria: ACMG Guidelines, 2015. Collection method: clinical testing. Allele origin: germline.
Comment: This missense variant replaces asparagine with aspartic acid at codon 987 of the BRCA2 protein. Computational prediction suggests that this variant may not impact protein structure and function. To our knowledge, functional studies have not been reported for this variant. This variant has not been reported in individuals affected with BRCA2-related disorders in the literature. This variant has not been identified in the general population by the Genome Aggregation Database (gnomAD). The available evidence is insufficient to determine the role of this variant in disease conclusively. Therefore, this variant is classified as a Variant of Uncertain Significance.

NM_000059.4(BRCA2):c.2959A>G (p.Asn987Asp)

Gene: BRCA2 (BRCA2 DNA repair associated; plus strand). Cytogenetic location: 13q13.1.
Variant type: single nucleotide variant.
Coding change: c.2959A>G on transcript NM_000059.4 (MANE Select); coding-DNA position 2959, A replaced by G.
Protein change: p.Asn987Asp; replaces asparagine 987 with aspartic acid.
Molecular consequence: missense variant. On other transcripts: non-coding transcript variant (1), intron variant (2).
Genome position (GRCh38, 1-based): chr13:32,337,314, A>G. VCF-style: chr13-32337314-A-G. GRCh37 (hg19) VCF-style: chr13-32911451-A-G.
Other names: c.2959A>G, p.Asn987Asp (NM_001406719.1, NM_001406720.1, NM_001432077.1); c.1909+3927A>G (NM_001406721.1); c.424+6284A>G (NM_001406722.1); short protein forms N987D.
Identifiers: ClinVar variation 4756984 (VCV004756984.1).